The following is an entry in ClinVar:

NM_000222.3(KIT):c.338-8T>A

Gene: KIT (KIT proto-oncogene, receptor tyrosine kinase; plus strand). Cytogenetic location: 4q12.
Variant type: single nucleotide variant.
Coding change: c.338-8T>A on transcript NM_000222.3 (MANE Select); 8 bases into the intron before coding-DNA position 338, T replaced by A.
Molecular consequence: intron variant.
Genome position (GRCh38, 1-based): chr4:54,698,276, T>A. VCF-style: chr4-54698276-T-A. GRCh37 (hg19) VCF-style: chr4-55564442-T-A.
Other names: c.338-8T>A (NM_001385284.1, NM_001385290.1, NM_001385288.1 and 4 more transcripts).
Identifiers: ClinVar variation 840763 (VCV000840763.10), dbSNP rs1720215706, ClinGen allele CA916081449.

ClinVar aggregate classification (germline): Uncertain significance (1 of 4 stars; one submission).

Conditions:
Gastrointestinal stromal tumor. Also called: Gastrointestinal stromal tumor, somatic; Gastrointestinal stroma tumor. Identifiers: Orphanet 44890, MedGen C0238198, MeSH D046152, MONDO:0011719, OMIM 606764, HP:0100723.

Submission:

Labcorp Genetics (formerly Invitae), Labcorp
Classification: Uncertain significance for Gastrointestinal stromal tumor. Last evaluated: 2019-04-04. Review status: criteria provided, single submitter. Criteria: Invitae Variant Classification Sherloc (09022015). Collection method: clinical testing. Allele origin: germline.
Comment: This sequence change falls in intron 2 of the KIT gene. It does not directly change the encoded amino acid sequence of the KIT protein. This variant is not present in population databases (ExAC no frequency). This variant has not been reported in the literature in individuals with KIT-related conditions. Algorithms developed to predict the effect of sequence changes on RNA splicing suggest that this variant may disrupt the consensus splice site, but this prediction has not been confirmed by published transcriptional studies. In summary, the available evidence is currently insufficient to determine the role of this variant in disease. Therefore, it has been classified as a Variant of Uncertain Significance.